The following is an entry in ClinVar:

NM_000256.3(MYBPC3):c.203T>C (p.Val68Ala)

Gene: MYBPC3 (myosin binding protein C3; minus strand). Cytogenetic location: 11p11.2.
Variant type: single nucleotide variant.
Coding change: c.203T>C on transcript NM_000256.3 (MANE Select); coding-DNA position 203, T replaced by C.
Protein change: p.Val68Ala; replaces valine 68 with alanine.
Molecular consequence: missense variant.
Genome position (GRCh38, 1-based): chr11:47,351,328, A>G on the plus strand (T>C on the coding strand, the complement: MYBPC3 is on the minus strand). VCF-style: chr11-47351328-A-G. GRCh37 (hg19) VCF-style: chr11-47372879-A-G.
Other names: short protein forms V68A.
Identifiers: ClinVar variation 924605 (VCV000924605.7), dbSNP rs2095900715, ClinGen allele CA380341722.

ClinVar aggregate classification (germline): Uncertain significance. Review status: criteria provided, multiple submitters, no conflicts (2 of 4 stars). 3 submissions from 3 submitters: Uncertain significance (3). Last evaluated 2023-12-04.

Conditions:
Cardiomyopathy (CMYO). Also called: Cardiomyopathies. Identifiers: Orphanet 167848, MedGen C0878544, MONDO:0004994, HP:0001638. Inheritance: Various modes of inheritance.
Cardiovascular phenotype. Identifiers: MedGen CN230736.

Submissions (3):

Color Diagnostics, LLC DBA Color Health
Classification: Uncertain significance for Cardiomyopathy. Last evaluated: 2023-12-04. Review status: criteria provided, single submitter. Criteria: ACMG Guidelines, 2015. Collection method: clinical testing. Allele origin: germline.
Comment: Variant of Uncertain Significance due to insufficient evidence: This missense variant replaces valine with alanine at codon 68 of the MYBPC3 protein. Computational prediction tools and conservation analyses are inconclusive regarding the impact of this variant on the protein function. Computational splicing tools suggest that this variant may not impact RNA splicing. To our knowledge, functional assays have not been performed for this variant nor has this variant been reported in individuals affected with cardiovascular disorders in the literature. This variant is rare in the general population and has been identified in 0/277264 chromosomes by the Genome Aggregation Database (gnomAD). Available evidence is insufficient to determine the role of this variant in disease conclusively.

Ambry Genetics
Classification: Uncertain significance for Cardiovascular phenotype. Last evaluated: 2023-11-23. Review status: criteria provided, single submitter. Criteria: Ambry Variant Classification Scheme 2023. Collection method: clinical testing. Allele origin: germline.
Comment: The p.V68A variant (also known as c.203T>C), located in coding exon 2 of the MYBPC3 gene, results from a T to C substitution at nucleotide position 203. The valine at codon 68 is replaced by alanine, an amino acid with similar properties. This amino acid position is conserved. In addition, the in silico prediction for this alteration is inconclusive. Since supporting evidence is limited at this time, the clinical significance of this alteration remains unclear.

CHEO Genetics Diagnostic Laboratory, Children's Hospital of Eastern Ontario
Classification: Uncertain significance for Cardiomyopathy. Last evaluated: 2022-10-21. Review status: criteria provided, single submitter. Criteria: ACMG Guidelines, 2015. Collection method: clinical testing. Allele origin: germline.